The following is an entry in ClinVar:

NM_002303.6(LEPR):c.90T>G (p.Pro30=)

Gene: LEPR (leptin receptor; plus strand). Cytogenetic location: 1p31.3.
Variant type: single nucleotide variant.
Coding change: c.90T>G on transcript NM_002303.6 (MANE Select); coding-DNA position 90, T replaced by G.
Protein change: p.Pro30=; no amino-acid change (proline 30 retained).
Molecular consequence: synonymous variant.
Genome position (GRCh38, 1-based): chr1:65,570,522, T>G. VCF-style: chr1-65570522-T-G. GRCh37 (hg19) VCF-style: chr1-66036205-T-G.
Other names: c.90T>G, p.Pro30= (NM_001003679.3, NM_001003680.3, NM_001198687.2 and 2 more transcripts).
Identifiers: ClinVar variation 4997533 (VCV004997533.1).

ClinVar aggregate classification (germline): Likely benign (1 of 4 stars; one submission).

Conditions:
LEPR-related disorder. Also called: LEPR-related disorders; LEPR-related condition.

gnomAD v4.1: 5 of 1,613,860 alleles (0.00031%); highest among the groups gnomAD compares: African/African-American, 0.0067%; no homozygotes.

Submission:

PreventionGenetics, part of Exact Sciences
Classification: Likely benign for LEPR-related condition. Last evaluated: 2025-03-19. Review status: criteria provided, single submitter. Criteria: ACMG Guidelines, 2015. Collection method: clinical testing. Allele origin: germline.
Comment: This variant is classified as likely benign based on ACMG/AMP sequence variant interpretation guidelines (Richards et al. 2015 PMID: 25741868, with internal and published modifications).